The following is an entry in ClinVar:

NM_015978.3(TNNI3K):c.1995C>G (p.Phe665Leu)

Genes: FPGT-TNNI3K (FPGT-TNNI3K readthrough; plus strand), TNNI3K (TNNI3 interacting kinase; plus strand). Cytogenetic location: 1p31.1.
Variant type: single nucleotide variant.
Coding change: c.1995C>G on transcript NM_015978.3 (MANE Select); coding-DNA position 1995, C replaced by G.
Protein change: p.Phe665Leu; replaces phenylalanine 665 with leucine.
Molecular consequence: missense variant.
Genome position (GRCh38, 1-based): chr1:74,439,606, C>G. VCF-style: chr1-74439606-C-G. GRCh37 (hg19) VCF-style: chr1-74905290-C-G.
Other names: c.2298C>G, p.Phe766Leu (NM_001112808.3, NM_001199327.2); short protein forms F665L, F766L.
Identifiers: ClinVar variation 2100900 (VCV002100900.4), dbSNP rs776665374, ClinGen allele CA340790024.

ClinVar aggregate classification (germline): Uncertain significance (1 of 4 stars; one submission).

Submission:

Labcorp Genetics (formerly Invitae), Labcorp
Classification: Uncertain significance. Last evaluated: 2022-02-21. Review status: criteria provided, single submitter. Criteria: Invitae Variant Classification Sherloc (09022015). Collection method: clinical testing. Allele origin: germline.
Comment: This sequence change replaces phenylalanine, which is neutral and non-polar, with leucine, which is neutral and non-polar, at codon 665 of the TNNI3K protein (p.Phe665Leu). In summary, the available evidence is currently insufficient to determine the role of this variant in disease. Therefore, it has been classified as a Variant of Uncertain Significance. Algorithms developed to predict the effect of missense changes on protein structure and function are either unavailable or do not agree on the potential impact of this missense change (SIFT: "Deleterious"; PolyPhen-2: "Possibly Damaging"; Align-GVGD: "Class C15"). This variant has not been reported in the literature in individuals affected with TNNI3K-related conditions. This variant is not present in population databases (gnomAD no frequency).